The following is an entry in ClinVar:

ClinVar aggregate classification (germline): Uncertain significance (1 of 4 stars; one submission).

Submission:

Labcorp Genetics (formerly Invitae), Labcorp
Classification: Uncertain significance. Last evaluated: 2021-10-25. Review status: criteria provided, single submitter. Criteria: Invitae Variant Classification Sherloc (09022015). Collection method: clinical testing. Allele origin: germline.
Comment: In summary, the available evidence is currently insufficient to determine the role of this variant in disease. Therefore, it has been classified as a Variant of Uncertain Significance. Advanced modeling of protein sequence and biophysical properties (such as structural, functional, and spatial information, amino acid conservation, physicochemical variation, residue mobility, and thermodynamic stability) performed at Invitae indicates that this missense variant is not expected to disrupt FAT4 protein function. This variant has not been reported in the literature in individuals affected with FAT4-related conditions. This variant is not present in population databases (ExAC no frequency). This sequence change replaces isoleucine with valine at codon 243 of the FAT4 protein (p.Ile243Val). The isoleucine residue is highly conserved and there is a small physicochemical difference between isoleucine and valine.

NM_001291303.3(FAT4):c.727A>G (p.Ile243Val)

Gene: FAT4 (FAT atypical cadherin 4; plus strand). Cytogenetic location: 4q28.1.
Variant type: single nucleotide variant.
Coding change: c.727A>G on transcript NM_001291303.3 (MANE Select); coding-DNA position 727, A replaced by G.
Protein change: p.Ile243Val; replaces isoleucine 243 with valine.
Molecular consequence: missense variant.
Genome position (GRCh38, 1-based): chr4:125,317,138, A>G. VCF-style: chr4-125317138-A-G. GRCh37 (hg19) VCF-style: chr4-126238293-A-G.
Other names: c.727A>G, p.Ile243Val (NM_001291285.3, NM_024582.6); short protein forms I243V.
Identifiers: ClinVar variation 1389203 (VCV001389203.6), dbSNP rs2125939075, ClinGen allele CA358116408.